The following is an entry in ClinVar:

ClinVar aggregate classification (germline): Pathogenic. Review status: criteria provided, multiple submitters, no conflicts (2 of 4 stars). 2 submissions from 2 submitters: Pathogenic (2). Last evaluated 2025-03-06.

Conditions:
Niemann-Pick disease, type A. Also called: Infantile Neurovisceral ASMD (Niemann-Pick Disease Type A; NPD-A); SPHINGOMYELIN LIPIDOSIS; SPHINGOMYELINASE DEFICIENCY. Identifiers: Orphanet 77292, MedGen C0268242, MONDO:0009756, OMIM 257200. Disease mechanism: loss of function.
Niemann-Pick disease, type B. Also called: Chronic Visceral ASMD (Niemann-Pick Disease Type B; NPD-B). Identifiers: Orphanet 77293, MedGen C0268243, MONDO:0011871, OMIM 607616. Disease mechanism: loss of function.

Submissions (2):

Women's Health and Genetics/Laboratory Corporation of America, LabCorp
Classification: Pathogenic for Niemann-Pick disease, type A. Last evaluated: 2025-03-06. Review status: criteria provided, single submitter. Criteria: LabCorp Variant Classification Summary - May 2015. Collection method: clinical testing. Allele origin: germline.
Comment: Variant summary: SMPD1 c.1122C>G (p.Tyr374X) results in a premature termination codon, predicted to cause a truncation of the encoded protein or absence of the protein due to nonsense mediated decay, which are commonly known mechanisms for disease. The variant was absent in 249192 control chromosomes. To our knowledge, no occurrence of c.1122C>G in individuals affected with Niemann-Pick disease, type A and no experimental evidence demonstrating its impact on protein function have been reported. ClinVar contains an entry for this variant (Variation ID: 857473). Based on the evidence outlined above, the variant was classified as pathogenic.

Labcorp Genetics (formerly Invitae), Labcorp
Classification: Pathogenic for Niemann-Pick disease, type B; Niemann-Pick disease, type A. Last evaluated: 2019-03-15. Review status: criteria provided, single submitter. Criteria: Invitae Variant Classification Sherloc (09022015). Collection method: clinical testing. Allele origin: germline.
Comment: For these reasons, this variant has been classified as Pathogenic. Loss-of-function variants in SMPD1 are known to be pathogenic (PMID: 12369017, 15221801). Algorithms developed to predict the effect of sequence changes on RNA splicing suggest that this variant may create or strengthen a splice site, but this prediction has not been confirmed by published transcriptional studies. This variant has not been reported in the literature in individuals with SMPD1-related conditions. This variant is not present in population databases (ExAC no frequency). This sequence change creates a premature translational stop signal (p.Tyr374*) in the SMPD1 gene. It is expected to result in an absent or disrupted protein product.

Literature cited by the submitters: PubMed 12369017 (cited by Labcorp Genetics (formerly Invitae), Labcorp); PubMed 15221801 (cited by Labcorp Genetics (formerly Invitae), Labcorp).

NM_000543.5(SMPD1):c.1122C>G (p.Tyr374Ter)

Gene: SMPD1 (sphingomyelin phosphodiesterase 1; plus strand). Cytogenetic location: 11p15.4.
Variant type: single nucleotide variant.
Coding change: c.1122C>G on transcript NM_000543.5 (MANE Select); coding-DNA position 1122, C replaced by G.
Protein change: p.Tyr374Ter; replaces tyrosine 374 with a stop codon.
Molecular consequence: nonsense. On other transcripts: non-coding transcript variant (1), intron variant (1).
Genome position (GRCh38, 1-based): chr11:6,393,246, C>G. VCF-style: chr11-6393246-C-G. GRCh37 (hg19) VCF-style: chr11-6414476-C-G.
Other names: c.1119C>G, p.Tyr373Ter (NM_001007593.3); c.1122C>G, p.Tyr374Ter (NM_001318087.2); c.201C>G, p.Tyr67Ter (NM_001318088.2); c.1132-371C>G (NM_001365135.2); short protein forms Y373*, Y374*, Y67*.
Identifiers: ClinVar variation 857473 (VCV000857473.9), dbSNP rs1848015403, ClinGen allele CA379372900.